The following is an entry in ClinVar:

NM_014000.3(VCL):c.2834T>C (p.Met945Thr)

Gene: VCL (vinculin; plus strand). Cytogenetic location: 10q22.2.
Variant type: single nucleotide variant.
Coding change: c.2834T>C on transcript NM_014000.3 (MANE Select); coding-DNA position 2834, T replaced by C.
Protein change: p.Met945Thr; replaces methionine 945 with threonine.
Molecular consequence: missense variant. On other transcripts: intron variant (1).
Genome position (GRCh38, 1-based): chr10:74,111,997, T>C. VCF-style: chr10-74111997-T-C. GRCh37 (hg19) VCF-style: chr10-75871755-T-C.
Other names: c.2746-2187T>C (NM_003373.4); short protein forms M945T.
Identifiers: ClinVar variation 691658 (VCV000691658.37), dbSNP rs1443843519, ClinGen allele CA377264694.

ClinVar aggregate classification (germline): Uncertain significance. Review status: criteria provided, multiple submitters, no conflicts (2 of 4 stars). 5 submissions from 5 submitters: Uncertain significance (5). Last evaluated 2025-12-10.

Conditions:
Cardiovascular phenotype. Identifiers: MedGen CN230736.
Cardiomyopathy (CMYO). Also called: Cardiomyopathies. Identifiers: Orphanet 167848, MedGen C0878544, MONDO:0004994, HP:0001638. Inheritance: Various modes of inheritance.
Dilated cardiomyopathy 1W (CMD1W). Identifiers: Orphanet 154, MedGen C1969639, MONDO:0012667, OMIM 611407.

Allele frequency attached by ClinVar (database versions not stated): gnomAD exomes below 0.00001; gnomAD 0.00001; TOPMed 0.00002.

Submissions (5):

Labcorp Genetics (formerly Invitae), Labcorp
Classification: Uncertain significance for Dilated cardiomyopathy 1W. Last evaluated: 2025-12-10. Review status: criteria provided, single submitter. Criteria: Invitae Variant Classification Sherloc (09022015). Collection method: clinical testing. Allele origin: germline.
Comment: This sequence change replaces methionine, which is neutral and non-polar, with threonine, which is neutral and polar, at codon 945 of the VCL protein (p.Met945Thr). This variant is present in population databases (no rsID available, gnomAD 0.003%). This variant has not been reported in the literature in individuals affected with VCL-related conditions. ClinVar contains an entry for this variant (Variation ID: 691658). An algorithm developed to predict the effect of missense changes on protein structure and function (PolyPhen-2) suggests that this variant is likely to be tolerated. In summary, the available evidence is currently insufficient to determine the role of this variant in disease. Therefore, it has been classified as a Variant of Uncertain Significance.

Ambry Genetics
Classification: Uncertain significance for Cardiovascular phenotype. Last evaluated: 2025-01-21. Review status: criteria provided, single submitter. Criteria: Ambry Variant Classification Scheme 2023. Collection method: clinical testing. Allele origin: germline.

CeGaT Center for Human Genetics Tuebingen
Classification: Uncertain significance. Last evaluated: 2023-01-01. Review status: criteria provided, single submitter. Criteria: CeGaT Center For Human Genetics Tuebingen Variant Classification Criteria Version 2. Collection method: clinical testing. Allele origin: germline. Affected: yes. Observed: 1 variant allele.
Comment: VCL: PM2, BP4

GeneDx
Classification: Uncertain significance. Last evaluated: 2019-11-15. Review status: criteria provided, single submitter. Criteria: GeneDx Variant Classification Process June 2021. Collection method: clinical testing. Allele origin: germline. Affected: yes.
Comment: Has not been previously reported as pathogenic or benign to our knowledge; Not observed at a significant frequency in large population cohorts (Lek et al., 2016); Reported in ClinVar as a variant of uncertain significance (ClinVar Variant ID# 691658; Landrum et al., 2016); In silico analysis, which includes protein predictors and evolutionary conservation, supports that this variant does not alter protein structure/function

Center for Advanced Laboratory Medicine, UC San Diego Health, University of California San Diego
Classification: Uncertain significance for Cardiomyopathy. Last evaluated: 2018-11-28. Review status: criteria provided, single submitter. Criteria: ACMG Guidelines, 2015. Collection method: clinical testing. Allele origin: germline. Affected: yes. Observed: 1 variant allele.